The following is an entry in ClinVar:

NM_006035.4(CDC42BPB):c.4489A>G (p.Thr1497Ala)

Gene: CDC42BPB (CDC42 binding protein kinase beta; minus strand). Cytogenetic location: 14q32.32.
Variant type: single nucleotide variant.
Coding change: c.4489A>G on transcript NM_006035.4 (MANE Select); coding-DNA position 4489, A replaced by G.
Protein change: p.Thr1497Ala; replaces threonine 1497 with alanine.
Molecular consequence: missense variant.
Genome position (GRCh38, 1-based): chr14:102,940,244, T>C on the plus strand (A>G on the coding strand, the complement: CDC42BPB is on the minus strand). VCF-style: chr14-102940244-T-C. GRCh37 (hg19) VCF-style: chr14-103406581-T-C.
Other names: c.4411A>G, p.Thr1471Ala (NM_001411054.1); short protein forms T1471A, T1497A.
Identifiers: ClinVar variation 3900216 (VCV003900216.1).

ClinVar aggregate classification (germline): Uncertain significance (1 of 4 stars; one submission).

gnomAD v4.1: 1 of 1,601,296 alleles (0.000062%); highest among the groups gnomAD compares: African/African-American, 0.0013%; no homozygotes.

Submission:

GeneDx
Classification: Uncertain significance. Last evaluated: 2024-11-11. Review status: criteria provided, single submitter. Criteria: GeneDx Variant Classification Process June 2021. Collection method: clinical testing. Allele origin: germline. Affected: yes.
Comment: Not observed at significant frequency in large population cohorts (gnomAD); In silico analysis supports that this missense variant has a deleterious effect on protein structure/function; Has not been previously published as pathogenic or benign to our knowledge